The following is an entry in ClinVar:

ClinVar aggregate classification (germline): Likely pathogenic (1 of 4 stars; one submission).

Conditions:
Wilson disease (WND). Also called: Wilson's disease. Identifiers: Orphanet 905, MedGen C0019202, MONDO:0010200, OMIM 277900. Disease mechanism: loss of function.

Allele frequency attached by ClinVar (database versions not stated): gnomAD exomes below 0.00001.

Submission:

Labcorp Genetics (formerly Invitae), Labcorp
Classification: Likely pathogenic for Wilson disease. Last evaluated: 2023-06-20. Review status: criteria provided, single submitter. Criteria: Invitae Variant Classification Sherloc (09022015). Collection method: clinical testing. Allele origin: germline.
Comment: Experimental studies have shown that this missense change affects ATP7B function (PMID: 20931554). Advanced modeling of protein sequence and biophysical properties (such as structural, functional, and spatial information, amino acid conservation, physicochemical variation, residue mobility, and thermodynamic stability) has been performed at Invitae for this missense variant, however the output from this modeling did not meet the statistical confidence thresholds required to predict the impact of this variant on ATP7B protein function. ClinVar contains an entry for this variant (Variation ID: 2137519). This variant is also known as p.S779F. This missense change has been observed in individual(s) with clinical features of Wilson disease and/or Wilson disease (PMID: 20931554, 27022412, 33763395, 34470610). In at least one individual the data is consistent with being in trans (on the opposite chromosome) from a pathogenic variant. This variant is present in population databases (no rsID available, gnomAD 0.006%). This sequence change replaces serine, which is neutral and polar, with phenylalanine, which is neutral and non-polar, at codon 986 of the ATP7B protein (p.Ser986Phe). In summary, the currently available evidence indicates that the variant is pathogenic, but additional data are needed to prove that conclusively. Therefore, this variant has been classified as Likely Pathogenic.

Literature cited by the submitters: PubMed 20931554; PubMed 27022412; PubMed 33763395; PubMed 34470610.

NM_000053.4(ATP7B):c.2957C>T (p.Ser986Phe)

Gene: ATP7B (ATPase copper transporting beta; minus strand). Cytogenetic location: 13q14.3.
Variant type: single nucleotide variant.
Coding change: c.2957C>T on transcript NM_000053.4 (MANE Select); coding-DNA position 2957, C replaced by T.
Protein change: p.Ser986Phe; replaces serine 986 with phenylalanine.
Molecular consequence: missense variant.
Genome position (GRCh38, 1-based): chr13:51,946,387, G>A on the plus strand (C>T on the coding strand, the complement: ATP7B is on the minus strand). VCF-style: chr13-51946387-G-A. GRCh37 (hg19) VCF-style: chr13-52520523-G-A.
Other names: c.2336C>T, p.Ser779Phe (NM_001005918.3); c.2780C>T, p.Ser927Phe (NM_001406524.1); c.2957C>T, p.Ser986Phe (NM_001406526.1, NM_001406511.1, NM_001406512.1 and 2 more transcripts); c.2723C>T, p.Ser908Phe (NM_001406527.1, NM_001406528.1, NM_001330578.2 and 1 more transcripts); c.2624C>T, p.Ser875Phe (NM_001243182.2); c.2705C>T, p.Ser902Phe (NM_001330579.2, NM_001406531.1, NM_001406532.1); c.2717C>T, p.Ser906Phe (NM_001406530.1); c.2669C>T, p.Ser890Phe (NM_001406534.1); and 12 more; short protein forms S876F, S906F, S927F, S938F, S556F, S824F, S875F, S941F.
Identifiers: ClinVar variation 2137519 (VCV002137519.4), dbSNP rs1337256944, ClinGen allele CA388032279.